The following is an entry in ClinVar:

NM_004056.6(CA8):c.100+1G>A

Gene: CA8 (carbonic anhydrase 8; minus strand). Cytogenetic location: 8q12.1.
Variant type: single nucleotide variant.
Coding change: c.100+1G>A on transcript NM_004056.6 (MANE Select); the canonical splice donor site of the intron after coding-DNA position 100, G replaced by A.
Molecular consequence: splice donor variant.
Genome position (GRCh38, 1-based): chr8:60,281,047, C>T on the plus strand (G>A on the coding strand, the complement: CA8 is on the minus strand). VCF-style: chr8-60281047-C-T. GRCh37 (hg19) VCF-style: chr8-61193606-C-T.
Other names: c.100+1G>A (NM_001321839.2, NM_001321837.2, NM_001321838.2).
Identifiers: ClinVar variation 560540 (VCV000560540.2), dbSNP rs1563390893, ClinGen allele CA371396424.

ClinVar aggregate classification (germline): Likely pathogenic (0 of 4 stars; one submission).

Conditions:
Cerebellar ataxia, intellectual disability, and dysequilibrium syndrome 3 (SCAR34). Also called: CEREBELLAR ATAXIA AND MENTAL RETARDATION WITH OR WITHOUT QUADRUPEDAL LOCOMOTION 3; SPINOCEREBELLAR ATAXIA, AUTOSOMAL RECESSIVE 34. Identifiers: Orphanet 1766, MedGen C2750509, MONDO:0013188, OMIM 613227.

Submission:

Foundation for Research in Genetics and Endocrinology, FRIGE's Institute of Human Genetics
Classification: Likely pathogenic for Cerebellar ataxia, intellectual disability, and dysequilibrium syndrome 3. Last evaluated: 2018-08-25. Review status: no assertion criteria provided. Collection method: clinical testing. Allele origin: germline. Inheritance: Autosomal recessive inheritance. Affected: yes. Observed: 1 homozygote.
Comment: The observed variant g.5349G>A (5' splice site) has not been reported in 1000 Genomes and ExAC databases. The in silico prediction of the given variant is disease causing by Mutation Taster2.